The following is an entry in ClinVar:

ClinVar aggregate classification (germline): Conflicting classifications of pathogenicity. Review status: criteria provided, conflicting classifications (1 of 4 stars). 4 submissions from 4 submitters: Uncertain significance (1); Likely benign (3). Last evaluated 2025-11-05.

Conditions:
Cardiovascular phenotype. Identifiers: MedGen CN230736.
Catecholaminergic polymorphic ventricular tachycardia (CVPT). Also called: Catecholamine-induced polymorphic ventricular tachycardia. Identifiers: Orphanet 3286, MedGen C5574922, MONDO:0017990.
Catecholaminergic polymorphic ventricular tachycardia 1. Also called: VENTRICULAR TACHYCARDIA, CATECHOLAMINERGIC POLYMORPHIC, 1, WITH OR WITHOUT ATRIAL DYSFUNCTION AND/OR DILATED CARDIOMYOPATHY; RYR2-Related Catecholaminergic Polymorphic Ventricular Tachycardia; VENTRICULAR TACHYCARDIA, STRESS-INDUCED POLYMORPHIC 1. Identifiers: Orphanet 3286, MedGen C1631597, MONDO:0011484, OMIM 604772.
Cardiomyopathy (CMYO). Also called: Cardiomyopathies. Identifiers: Orphanet 167848, MedGen C0878544, MONDO:0004994, HP:0001638. Inheritance: Various modes of inheritance.

Allele frequency attached by ClinVar (database versions not stated): gnomAD 0.00001; gnomAD exomes 0.00002 and 0.00003; ExAC 0.00003; TOPMed 0.00003.
gnomAD v4.1: 25 of 1,609,180 alleles (0.0016%); highest among the groups gnomAD compares: South Asian, 0.0089%; no homozygotes.

Submissions (4):

Labcorp Genetics (formerly Invitae), Labcorp
Classification: Likely benign for Catecholaminergic polymorphic ventricular tachycardia 1. Last evaluated: 2025-11-05. Review status: criteria provided, single submitter. Criteria: Invitae Variant Classification Sherloc (09022015). Collection method: clinical testing. Allele origin: germline.

All of Us Research Program, National Institutes of Health
Classification: Uncertain significance for Catecholaminergic polymorphic ventricular tachycardia. Last evaluated: 2024-01-11. Review status: criteria provided, single submitter. Criteria: ACMG Guidelines, 2015. Collection method: clinical testing. Allele origin: germline. Inheritance: Autosomal dominant inheritance. Observed: 4 variant alleles, 4 heterozygotes.
Comment: This synonymous variant does not change the amino acid sequence of the RYR2 protein. Splice site prediction tools and conservation analysis are inconclusive regarding the impact of this variant on RNA splicing. To our knowledge, functional studies have not been reported for this variant. This variant has not been reported in individuals affected with cardiovascular disorders in the literature. This variant has been identified in 7/242590 chromosomes in the general population by the Genome Aggregation Database (gnomAD). The available evidence is insufficient to determine the role of this variant in disease conclusively. Therefore, this variant is classified as a Variant of Uncertain Significance.

This study involves interpretation of variants in research participants for the purpose of population health screening. Participant phenotype was not available at the time of variant classification. Additional details can be found in publication PMID: 35346344, PMCID: PMC8962531

Color Diagnostics, LLC DBA Color Health
Classification: Likely benign for Cardiomyopathy. Last evaluated: 2023-12-05. Review status: criteria provided, single submitter. Criteria: ACMG Guidelines, 2015. Collection method: clinical testing. Allele origin: germline.

Ambry Genetics
Classification: Likely benign for Cardiovascular phenotype. Last evaluated: 2021-12-02. Review status: criteria provided, single submitter. Criteria: Ambry Variant Classification Scheme 2023. Collection method: clinical testing. Allele origin: germline.

NM_001035.3(RYR2):c.7374G>A (p.Ala2458=)

Gene: RYR2 (ryanodine receptor 2; plus strand). Cytogenetic location: 1q43.
Variant type: single nucleotide variant.
Coding change: c.7374G>A on transcript NM_001035.3 (MANE Select); coding-DNA position 7374, G replaced by A.
Protein change: p.Ala2458=; no amino-acid change (alanine 2458 retained).
Molecular consequence: synonymous variant.
Genome position (GRCh38, 1-based): chr1:237,648,475, G>A. VCF-style: chr1-237648475-G-A. GRCh37 (hg19) VCF-style: chr1-237811775-G-A.
Other names: c.7374G>A, p.Ala2458= (LRG_402t1).
Identifiers: ClinVar variation 404235 (VCV000404235.18), dbSNP rs780891381, ClinGen allele CA087381.